The following is an entry in ClinVar:

NM_006514.4(SCN10A):c.5551G>A (p.Glu1851Lys)

Gene: SCN10A (sodium voltage-gated channel alpha subunit 10; minus strand). Cytogenetic location: 3p22.2.
Variant type: single nucleotide variant.
Coding change: c.5551G>A on transcript NM_006514.4 (MANE Select); coding-DNA position 5551, G replaced by A.
Protein change: p.Glu1851Lys; replaces glutamic acid 1851 with lysine.
Molecular consequence: missense variant.
Genome position (GRCh38, 1-based): chr3:38,697,669, C>T on the plus strand (G>A on the coding strand, the complement: SCN10A is on the minus strand). VCF-style: chr3-38697669-C-T. GRCh37 (hg19) VCF-style: chr3-38739160-C-T.
Other names: c.5548G>A, p.Glu1850Lys (NM_001293306.2); c.5257G>A, p.Glu1753Lys (NM_001293307.2); short protein forms E1753K, E1850K, E1851K.
Identifiers: ClinVar variation 2061401 (VCV002061401.1), dbSNP rs947319524, ClinGen allele CA72946866.

ClinVar aggregate classification (germline): Uncertain significance (1 of 4 stars; one submission).

Conditions:
Brugada syndrome. Also called: Sudden unexplained nocturnal death syndrome; Sudden Unexplained Death Syndrome; Sudden Unexplained Nocturnal Death Syndrome (SUNDS); Sudden unexpected nocturnal death syndrome. Identifiers: Orphanet 130, MedGen C1142166, MONDO:0015263.

Allele frequency attached by ClinVar (database versions not stated): gnomAD exomes below 0.00001.
gnomAD v4.1: 1 of 1,614,178 alleles (0.000062%); highest among the groups gnomAD compares: African/African-American, 0.0013%; no homozygotes.

Submission:

Labcorp Genetics (formerly Invitae), Labcorp
Classification: Uncertain significance for Brugada syndrome. Last evaluated: 2021-12-26. Review status: criteria provided, single submitter. Criteria: Invitae Variant Classification Sherloc (09022015). Collection method: clinical testing. Allele origin: germline.
Comment: This sequence change replaces glutamic acid, which is acidic and polar, with lysine, which is basic and polar, at codon 1851 of the SCN10A protein (p.Glu1851Lys). This variant is not present in population databases (gnomAD no frequency). This variant has not been reported in the literature in individuals affected with SCN10A-related conditions. Advanced modeling of protein sequence and biophysical properties (such as structural, functional, and spatial information, amino acid conservation, physicochemical variation, residue mobility, and thermodynamic stability) performed at Invitae indicates that this missense variant is expected to disrupt SCN10A protein function. In summary, the available evidence is currently insufficient to determine the role of this variant in disease. Therefore, it has been classified as a Variant of Uncertain Significance.